The following is an entry in ClinVar:

ClinVar aggregate classification (germline): Conflicting classifications of pathogenicity. Review status: criteria provided, conflicting classifications (1 of 4 stars). 6 submissions from 6 submitters: Uncertain significance (2); Benign (1); Likely benign (3). Last evaluated 2026-06-01.

Conditions:
Hereditary cancer-predisposing syndrome. Also called: Hereditary Cancer Syndrome; Tumor predisposition; Neoplastic Syndromes, Hereditary; Hereditary neoplastic syndrome. Identifiers: Orphanet 140162, MedGen C0027672, MeSH D009386, MONDO:0015356.
Tuberous sclerosis syndrome (TSC). Also called: Tuberous sclerosis; Tuberous Sclerosis Complex. Identifiers: Orphanet 805, MedGen C0041341, MONDO:0001734.
Tuberous sclerosis 2 (TSC2). Identifiers: Orphanet 805, MedGen C1860707, MONDO:0013199, OMIM 613254.

Allele frequency attached by ClinVar (database versions not stated): gnomAD 0.00001; ExAC 0.00002; gnomAD exomes 0.00004; TOPMed 0.00004; 1000 Genomes Project 30x 0.00016; 1000 Genomes Project 0.00020.

Submissions (6):

CeGaT Center for Human Genetics Tuebingen
Classification: Likely benign. Last evaluated: 2026-06-01. Review status: criteria provided, single submitter. Criteria: CeGaT Center For Human Genetics Tuebingen Variant Classification Criteria Version 2. Collection method: clinical testing. Allele origin: germline. Affected: yes. Observed: 11 variant alleles.
Comment: TSC2: PP3, BS2

Labcorp Genetics (formerly Invitae), Labcorp
Classification: Benign for Tuberous sclerosis 2. Last evaluated: 2025-12-30. Review status: criteria provided, single submitter. Criteria: Invitae Variant Classification Sherloc (09022015). Collection method: clinical testing. Allele origin: germline.

Blueprint Genetics
Classification: Likely benign. Last evaluated: 2024-09-02. Review status: criteria provided, single submitter. Criteria: ACMG Guidelines, 2015. Collection method: clinical testing. Allele origin: germline.

Color Diagnostics, LLC DBA Color Health
Classification: Uncertain significance for Tuberous sclerosis syndrome. Last evaluated: 2024-03-01. Review status: criteria provided, single submitter. Criteria: ACMG Guidelines, 2015. Collection method: clinical testing. Allele origin: germline.
Comment: This variant causes an A to G nucleotide substitution at the -11 position of intron 39/41 of the TSC2 gene. Splice site prediction tools predict that this variant may have a significant impact on RNA splicing. To our knowledge, RNA studies have not been reported for this variant. This variant has not been reported in individuals affected with TSC2-related disorders in the literature. This variant has been identified in 9/250134 chromosomes in the general population by the Genome Aggregation Database (gnomAD). The available evidence is insufficient to determine the role of this variant in disease conclusively. Therefore, this variant is classified as a Variant of Uncertain Significance.

GeneDx
Classification: Uncertain significance. Last evaluated: 2022-02-17. Review status: criteria provided, single submitter. Criteria: GeneDx Variant Classification Process June 2021. Collection method: clinical testing. Allele origin: germline. Affected: yes.
Comment: In silico analysis supports a deleterious effect on splicing; Has not been previously published as pathogenic or benign to our knowledge

Sema4
Classification: Likely benign for Hereditary cancer-predisposing syndrome. Last evaluated: 2021-04-04. Review status: criteria provided, single submitter. Criteria: Sema4 Curation Guidelines. Collection method: curation. Allele origin: germline.

NM_000548.5(TSC2):c.5069-11A>G

Gene: TSC2 (TSC complex subunit 2; plus strand). Cytogenetic location: 16p13.3.
Variant type: single nucleotide variant.
Coding change: c.5069-11A>G on transcript NM_000548.5 (MANE Select); 11 bases into the intron before coding-DNA position 5069, A replaced by G.
Molecular consequence: intron variant.
Genome position (GRCh38, 1-based): chr16:2,088,037, A>G. VCF-style: chr16-2088037-A-G. GRCh37 (hg19) VCF-style: chr16-2138038-A-G.
Other names: c.5000-11A>G (NM_001114382.3); c.4940-11A>G (NM_021055.3, NM_001370405.1); c.4871-11A>G (NM_001363528.2); c.4937-11A>G (NM_001370404.1); c.4868-11A>G (NM_001077183.3); c.4760-11A>G (NM_001318827.2); c.4337-11A>G (NM_001318831.2); c.4724-11A>G (NM_001318829.2); and 1 more.
Identifiers: ClinVar variation 1343068 (VCV001343068.36), dbSNP rs562381623, ClinGen allele CA053750.
Genomic context (GRCh38, chr16:2,088,037, plus strand): 5'-TAGGGCCGGGTGGGGCCCTGCAGTGTGGCGCCAAGAGCCCTGGGCCTGGCGTGACCACCA[A>G]GTCTCCCCAGACATGGAGGGCCTTGTGGACACCAGCGTGGCCAAGATCGTGTCTGACCGC-3'